The following is an entry in ClinVar:

NM_007294.4(BRCA1):c.2580A>G (p.Thr860=)

Gene: BRCA1 (BRCA1 DNA repair associated; minus strand). Cytogenetic location: 17q21.31.
Variant type: single nucleotide variant.
Coding change: c.2580A>G on transcript NM_007294.4 (MANE Select); coding-DNA position 2580, A replaced by G.
Protein change: p.Thr860=; no amino-acid change (threonine 860 retained).
Molecular consequence: synonymous variant. On other transcripts: intron variant (137).
Genome position (GRCh38, 1-based): chr17:43,092,951, T>C on the plus strand (A>G on the coding strand, the complement: BRCA1 is on the minus strand). VCF-style: chr17-43092951-T-C. GRCh37 (hg19) VCF-style: chr17-41244968-T-C.
Other names: c.2367A>G, p.Thr789= (NM_001407571.1, NM_001407853.1, NM_001407894.1 and 9 more transcripts); c.2580A>G, p.Thr860= (NM_001407581.1, NM_001407582.1, NM_001407583.1 and 30 more transcripts); c.2577A>G, p.Thr859= (NM_001407587.1, NM_001407590.1, NM_001407591.1 and 22 more transcripts); c.2571A>G, p.Thr857= (NM_001407646.1, NM_001407647.1); c.2457A>G, p.Thr819= (NM_001407648.1, NM_001407664.1, NM_001407665.1 and 19 more transcripts); c.2454A>G, p.Thr818= (NM_001407649.1, NM_001407670.1, NM_001407671.1 and 11 more transcripts); c.2502A>G, p.Thr834= (NM_001407653.1, NM_001407654.1, NM_001407655.1 and 4 more transcripts); c.2499A>G, p.Thr833= (NM_001407659.1, NM_001407660.1, NM_001407661.1 and 1 more transcripts); and 41 more.
Identifiers: ClinVar variation 233787 (VCV000233787.22), dbSNP rs556684572, ClinGen allele CA058445.

ClinVar aggregate classification (germline): Likely benign. Review status: reviewed by expert panel (3 of 4 stars). 8 submissions from 8 submitters: Likely benign (1). 7 of the submissions do not count toward it. Last evaluated 2017-06-29.

Conditions:
Breast-ovarian cancer, familial, susceptibility to, 1 (BROVCA1). Also called: BRCA1 Hereditary Breast and Ovarian Cancer; OVARIAN CANCER, SUSCEPTIBILITY TO. Identifiers: Orphanet 145, MedGen C2676676, MONDO:0011450, OMIM 604370. Disease mechanism: loss of function.
Hereditary breast ovarian cancer syndrome. Also called: Breast and ovarian cancer; Hereditary breast and ovarian cancer; Hereditary breast and ovarian cancer syndrome; Hereditary breast and/or ovarian cancer syndrome; BRCA1- and BRCA2-Associated Hereditary Breast and Ovarian Cancer; Hereditary breast and ovarian cancer syndrome (HBOC). Identifiers: Orphanet 145, MedGen C0677776, MeSH D061325, MONDO:0003582. Disease mechanism: loss of function.
Hereditary cancer-predisposing syndrome. Also called: Tumor predisposition; Hereditary Cancer Syndrome; Neoplastic Syndromes, Hereditary; Hereditary neoplastic syndrome. Identifiers: Orphanet 140162, MedGen C0027672, MeSH D009386, MONDO:0015356.

Allele frequency attached by ClinVar (database versions not stated): gnomAD 0.00001; gnomAD exomes 0.00001; ExAC 0.00002; 1000 Genomes Project 30x 0.00016; 1000 Genomes Project 0.00020.
gnomAD v4.1: 13 of 1,613,850 alleles (0.00081%); highest among the groups gnomAD compares: South Asian, 0.012%; no homozygotes.

Submissions (8):

Evidence-based Network for the Interpretation of Germline Mutant Alleles (ENIGMA)
Classification: Likely benign for Breast-ovarian cancer, familial, susceptibility to, 1. Last evaluated: 2017-06-29. Review status: reviewed by expert panel. Criteria: ENIGMA BRCA1/2 Classification Criteria (2017-06-29). Collection method: curation. Allele origin: germline.
Comment: Synonymous substitution variant, with low bioinformatic likelihood to result in a splicing aberration (Splicing prior probability 0.02).

Labcorp Genetics (formerly Invitae), Labcorp
Classification: Likely benign for Hereditary breast ovarian cancer syndrome. Last evaluated: 2025-11-24. Review status: criteria provided, single submitter. Criteria: Invitae Variant Classification Sherloc (09022015). Collection method: clinical testing. Allele origin: germline. Not counted in ClinVar's aggregate classification.

All of Us Research Program, National Institutes of Health
Classification: Likely benign for Breast-ovarian cancer, familial, susceptibility to, 1. Last evaluated: 2023-12-01. Review status: criteria provided, single submitter. Criteria: ACMG Guidelines, 2015. Collection method: clinical testing. Allele origin: germline. Inheritance: Autosomal dominant inheritance. Observed: 1 variant allele, 1 heterozygote. Not counted in ClinVar's aggregate classification.
Comment: This study involves interpretation of variants in research participants for the purpose of population health screening. Participant phenotype was not available at the time of variant classification. Additional details can be found in publication PMID: 35346344, PMCID: PMC8962531

Women's Health and Genetics/Laboratory Corporation of America, LabCorp
Classification: Likely benign. Last evaluated: 2019-08-21. Review status: criteria provided, single submitter. Criteria: LabCorp Variant Classification Summary - May 2015. Collection method: clinical testing. Allele origin: germline. Not counted in ClinVar's aggregate classification.

Color Diagnostics, LLC DBA Color Health
Classification: Likely benign for Hereditary cancer-predisposing syndrome. Last evaluated: 2018-04-19. Review status: criteria provided, single submitter. Criteria: ACMG Guidelines, 2015. Collection method: clinical testing. Allele origin: germline. Not counted in ClinVar's aggregate classification.

GeneDx
Classification: Likely benign. Last evaluated: 2017-02-21. Review status: criteria provided, single submitter. Criteria: GeneDx Variant Classification (06012015). Collection method: clinical testing. Allele origin: germline. Affected: yes. Not counted in ClinVar's aggregate classification.
Comment: This variant is considered likely benign or benign based on one or more of the following criteria: it is a conservative change, it occurs at a poorly conserved position in the protein, it is predicted to be benign by multiple in silico algorithms, and/or has population frequency not consistent with disease.

Ambry Genetics
Classification: Likely benign for Hereditary cancer-predisposing syndrome. Last evaluated: 2015-09-01. Review status: criteria provided, single submitter. Criteria: Ambry Variant Classification Scheme 2023. Collection method: clinical testing. Allele origin: germline. Not counted in ClinVar's aggregate classification.

Department of Pathology and Laboratory Medicine, Sinai Health System
Classification: Uncertain significance. Review status: no assertion criteria provided. Collection method: clinical testing. Allele origin: unknown. Affected: yes. Observed: 1 variant allele. Study: The Canadian Open Genetics Repository (COGR). Not counted in ClinVar's aggregate classification.